The following is an entry in ClinVar:

NM_004562.3(PRKN):c.412+6T>C

Gene: PRKN (parkin RBR E3 ubiquitin protein ligase; minus strand). Cytogenetic location: 6q26.
Variant type: single nucleotide variant.
Coding change: c.412+6T>C on transcript NM_004562.3 (MANE Select); 6 bases into the intron after coding-DNA position 412, T replaced by C.
Molecular consequence: intron variant.
Genome position (GRCh38, 1-based): chr6:162,262,519, A>G on the plus strand (T>C on the coding strand, the complement: PRKN is on the minus strand). VCF-style: chr6-162262519-A-G. GRCh37 (hg19) VCF-style: chr6-162683551-A-G.
Other names: c.171+180791T>C (NM_013988.3); c.412+6T>C (NM_013987.3).
Identifiers: ClinVar variation 843668 (VCV000843668.9), dbSNP rs1779933448, ClinGen allele CA366475706.

ClinVar aggregate classification (germline): Uncertain significance (1 of 4 stars; one submission).

Allele frequency attached by ClinVar (database versions not stated): gnomAD exomes below 0.00001.
gnomAD v4.1: 5 of 1,614,040 alleles (0.00031%); highest among the groups gnomAD compares: Non-Finnish European, 0.00025%; no homozygotes.

Submission:

Labcorp Genetics (formerly Invitae), Labcorp
Classification: Uncertain significance. Last evaluated: 2019-01-27. Review status: criteria provided, single submitter. Criteria: Invitae Variant Classification Sherloc (09022015). Collection method: clinical testing. Allele origin: germline.
Comment: This sequence change falls in intron 3 of the PRKN gene. It does not directly change the encoded amino acid sequence of the PRKN protein, but it affects a nucleotide within the consensus splice site of the intron. This variant is not present in population databases (ExAC no frequency). In summary, the available evidence is currently insufficient to determine the role of this variant in disease. Therefore, it has been classified as a Variant of Uncertain Significance. Nucleotide substitutions within the consensus splice site are a relatively common cause of aberrant splicing (PMID: 17576681, 9536098). Algorithms developed to predict the effect of sequence changes on RNA splicing suggest that this variant may disrupt the consensus splice site, but this prediction has not been confirmed by published transcriptional studies. This variant has not been reported in the literature in individuals with PRKN-related conditions.

Literature cited by the submitters: PubMed 17576681; PubMed 9536098.